The following is an entry in ClinVar:

NM_002474.3(MYH11):c.2307C>T (p.Phe769=)

Gene: MYH11 (myosin heavy chain 11; minus strand). Cytogenetic location: 16p13.11.
Variant type: single nucleotide variant.
Coding change: c.2307C>T on transcript NM_002474.3 (MANE Select); coding-DNA position 2307, C replaced by T.
Protein change: p.Phe769=; no amino-acid change (phenylalanine 769 retained).
Molecular consequence: synonymous variant.
Genome position (GRCh38, 1-based): chr16:15,747,674, G>A on the plus strand (C>T on the coding strand, the complement: MYH11 is on the minus strand). VCF-style: chr16-15747674-G-A. GRCh37 (hg19) VCF-style: chr16-15841531-G-A.
Other names: c.2328C>T, p.Phe776= (NM_001040113.2, NM_001040114.2); c.2307C>T, p.Phe769= (NM_022844.3).
Identifiers: ClinVar variation 2020722 (VCV002020722.5), dbSNP rs1282852123, ClinGen allele CA493792169.

ClinVar aggregate classification (germline): Likely benign. Review status: criteria provided, multiple submitters, no conflicts (2 of 4 stars). 2 submissions from 2 submitters: Likely benign (2). Last evaluated 2024-02-05.

Conditions:
Familial thoracic aortic aneurysm and aortic dissection (TAAD). Also called: Thoracic aortic aneurysms and dissections. Identifiers: Orphanet 91387, MedGen C4707243, MONDO:0019625.
Aortic aneurysm, familial thoracic 4 (AAT4). Also called: AORTIC ANEURYSM/AORTIC DISSECTION AND PATENT DUCTUS ARTERIOSUS. Identifiers: MedGen C1851504, MONDO:0007568, OMIM 132900.

gnomAD v4.1: 2 of 1,614,156 alleles (0.00012%); no homozygotes.

Submissions (2):

All of Us Research Program, National Institutes of Health
Classification: Likely benign for Familial thoracic aortic aneurysm and aortic dissection. Last evaluated: 2024-02-05. Review status: criteria provided, single submitter. Criteria: ACMG Guidelines, 2015. Collection method: clinical testing. Allele origin: germline. Inheritance: Autosomal dominant inheritance. Observed: 1 variant allele, 1 heterozygote.
Comment: This study involves interpretation of variants in research participants for the purpose of population health screening. Participant phenotype was not available at the time of variant classification. Additional details can be found in publication PMID: 35346344, PMCID: PMC8962531

Labcorp Genetics (formerly Invitae), Labcorp
Classification: Likely benign for Aortic aneurysm, familial thoracic 4. Last evaluated: 2022-09-13. Review status: criteria provided, single submitter. Criteria: Invitae Variant Classification Sherloc (09022015). Collection method: clinical testing. Allele origin: germline.